The following is an entry in ClinVar:

NM_017617.5(NOTCH1):c.3704G>A (p.Ser1235Asn)

Gene: NOTCH1 (notch receptor 1; minus strand). Cytogenetic location: 9q34.3.
Variant type: single nucleotide variant.
Coding change: c.3704G>A on transcript NM_017617.5 (MANE Select); coding-DNA position 3704, G replaced by A.
Protein change: p.Ser1235Asn; replaces serine 1235 with asparagine.
Molecular consequence: missense variant.
Genome position (GRCh38, 1-based): chr9:136,506,913, C>T on the plus strand (G>A on the coding strand, the complement: NOTCH1 is on the minus strand). VCF-style: chr9-136506913-C-T. GRCh37 (hg19) VCF-style: chr9-139401365-C-T.
Other names: short protein forms S1235N.
Identifiers: ClinVar variation 3363276 (VCV003363276.5).

ClinVar aggregate classification (germline): Conflicting classifications of pathogenicity. Review status: criteria provided, conflicting classifications (1 of 4 stars). 3 submissions from 3 submitters: Uncertain significance (2); Likely benign (1). Last evaluated 2025-02-06.

Conditions:
Familial thoracic aortic aneurysm and aortic dissection (TAAD). Also called: Thoracic aortic aneurysms and dissections. Identifiers: Orphanet 91387, MedGen C4707243, MONDO:0019625.
Adams-Oliver syndrome 5 (AOS5). Identifiers: Orphanet 974, MedGen C4014970, MONDO:0014459, OMIM 616028.

gnomAD v4.1: 2 of 1,611,616 alleles (0.00012%); highest among the groups gnomAD compares: Non-Finnish European, 0.000085%; no homozygotes.

Submissions (3):

Ambry Genetics
Classification: Uncertain significance for Familial thoracic aortic aneurysm and aortic dissection. Last evaluated: 2025-02-06. Review status: criteria provided, single submitter. Criteria: Ambry Variant Classification Scheme 2023. Collection method: clinical testing. Allele origin: germline.
Comment: The p.S1235N variant (also known as c.3704G>A), located in coding exon 23 of the NOTCH1 gene, results from a G to A substitution at nucleotide position 3704. The serine at codon 1235 is replaced by asparagine, an amino acid with highly similar properties. This amino acid position is conserved. In addition, this alteration is predicted to be tolerated by in silico analysis. Based on the available evidence, the clinical significance of this variant remains unclear.

Labcorp Genetics (formerly Invitae), Labcorp
Classification: Likely benign for Adams-Oliver syndrome 5. Last evaluated: 2024-02-29. Review status: criteria provided, single submitter. Criteria: Invitae Variant Classification Sherloc (09022015). Collection method: clinical testing. Allele origin: germline.

GeneDx
Classification: Uncertain significance. Last evaluated: 2023-10-20. Review status: criteria provided, single submitter. Criteria: GeneDx Variant Classification Process June 2021. Collection method: clinical testing. Allele origin: germline. Affected: yes.
Comment: Not observed at significant frequency in large population cohorts (gnomAD); In silico analysis supports that this missense variant does not alter protein structure/function; Has not been previously published as pathogenic or benign to our knowledge